The following is an entry in ClinVar:

ClinVar aggregate classification (germline): Pathogenic (1 of 4 stars; one submission).

Conditions:
Inborn genetic diseases. Identifiers: MedGen C0950123, MeSH D030342.

Allele frequency attached by ClinVar (database versions not stated): gnomAD exomes below 0.00001; TOPMed below 0.00001; gnomAD 0.00001.
gnomAD v4.1: 2 of 1,607,976 alleles (0.00012%); highest among the groups gnomAD compares: African/African-American, 0.0013%; no homozygotes.

Submission:

Ambry Genetics
Classification: Pathogenic for Inborn genetic diseases. Last evaluated: 2023-10-03. Review status: criteria provided, single submitter. Criteria: Ambry Variant Classification Scheme 2023. Collection method: clinical testing. Allele origin: germline.
Comment: The c.411G>A (p.W137*) alteration, located in exon 3 (coding exon 2) of the SLC20A2 gene, consists of a G to A substitution at nucleotide position 411. This changes the amino acid from a tryptophan (W) to a stop codon at amino acid position 137. This alteration is expected to result in loss of function by premature protein truncation or nonsense-mediated mRNA decay. This variant was not reported in population-based cohorts in the Genome Aggregation Database (gnomAD). Based on the available evidence, this alteration is classified as pathogenic.

NM_001257180.2(SLC20A2):c.411G>A (p.Trp137Ter)

Gene: SLC20A2 (solute carrier family 20 member 2; minus strand). Cytogenetic location: 8p11.21.
Variant type: single nucleotide variant.
Coding change: c.411G>A on transcript NM_001257180.2 (MANE Select); coding-DNA position 411, G replaced by A.
Protein change: p.Trp137Ter; replaces tryptophan 137 with a stop codon.
Molecular consequence: nonsense.
Genome position (GRCh38, 1-based): chr8:42,465,796, C>T on the plus strand (G>A on the coding strand, the complement: SLC20A2 is on the minus strand). VCF-style: chr8-42465796-C-T. GRCh37 (hg19) VCF-style: chr8-42323314-C-T.
Other names: c.411G>A, p.Trp137Ter (NM_001257181.2, NM_006749.5); short protein forms W137*.
Identifiers: ClinVar variation 3163311 (VCV003163311.1), dbSNP rs1052367854, ClinGen allele CA175997574.
Genomic context (GRCh38, chr8:42,465,796, plus strand): 5'-GTAAACTTTCCTTCTTATGGGTAAAAGAAAATGCCAATTACCAATCTTGACAAGCTCCAT[C>T]CACTGCACACCTTTGGTACCGATTGCGACCAGTGAGAATCCTATAGTAGAACCCACAATG-3'